The following is an entry in ClinVar:

NM_000257.4(MYH7):c.359T>C (p.Leu120Pro)

Gene: MYH7 (myosin heavy chain 7; minus strand). Cytogenetic location: 14q11.2.
Variant type: single nucleotide variant.
Coding change: c.359T>C on transcript NM_000257.4 (MANE Select); coding-DNA position 359, T replaced by C.
Protein change: p.Leu120Pro; replaces leucine 120 with proline.
Molecular consequence: missense variant.
Genome position (GRCh38, 1-based): chr14:23,432,782, A>G on the plus strand (T>C on the coding strand, the complement: MYH7 is on the minus strand). VCF-style: chr14-23432782-A-G. GRCh37 (hg19) VCF-style: chr14-23901991-A-G.
Other names: c.359T>C, p.Leu120Pro (NM_001407004.1); short protein forms L120P.
Identifiers: ClinVar variation 4805472 (VCV004805472.1).

ClinVar aggregate classification (germline): Uncertain significance (1 of 4 stars; one submission).

Conditions:
Hypertrophic cardiomyopathy. Also called: HYPERTROPHIC MYOCARDIOPATHY. Identifiers: Orphanet 217569, MedGen C0007194, MeSH D002312, MONDO:0005045, HP:0001639.

Submission:

Labcorp Genetics (formerly Invitae), Labcorp
Classification: Uncertain significance for Hypertrophic cardiomyopathy. Last evaluated: 2025-10-23. Review status: criteria provided, single submitter. Criteria: Invitae Variant Classification Sherloc (09022015). Collection method: clinical testing. Allele origin: germline.
Comment: This sequence change replaces leucine, which is neutral and non-polar, with proline, which is neutral and non-polar, at codon 120 of the MYH7 protein (p.Leu120Pro). This variant is not present in population databases (gnomAD no frequency). This variant has not been reported in the literature in individuals affected with MYH7-related conditions. Invitae Evidence Modeling of protein sequence and biophysical properties (such as structural, functional, and spatial information, amino acid conservation, physicochemical variation, residue mobility, and thermodynamic stability) indicates that this missense variant is expected to disrupt MYH7 protein function with a positive predictive value of 95%. In summary, the available evidence is currently insufficient to determine the role of this variant in disease. Therefore, it has been classified as a Variant of Uncertain Significance.